The following is an entry in ClinVar:

ClinVar aggregate classification (germline): Uncertain significance. Review status: criteria provided, multiple submitters, no conflicts (2 of 4 stars). 2 submissions from 2 submitters: Uncertain significance (2). Last evaluated 2026-01-05.

Conditions:
STRC-related disorder. Also called: STRC-related condition.

Allele frequency attached by ClinVar (database versions not stated): gnomAD below 0.00001 and 0.00003; gnomAD exomes 0.00024; ExAC 0.00026.

Submissions (2):

PreventionGenetics, part of Exact Sciences
Classification: Uncertain significance for STRC-related condition. Last evaluated: 2026-01-05. Review status: criteria provided, single submitter. Criteria: ACMG Guidelines, 2015. Collection method: clinical testing. Allele origin: germline.
Comment: The STRC c.4681G>C variant is predicted to result in the amino acid substitution p.Asp1561His. To our knowledge, this variant has not been reported in the literature. This variant is reported in 0.20% of alleles in individuals of South Asian descent in gnomAD, although allele frequency estimates at this locus are unreliable due to paralogy. At this time, the clinical significance of this variant is uncertain due to the absence of conclusive functional and genetic evidence.

GeneDx
Classification: Uncertain significance. Last evaluated: 2017-08-02. Review status: criteria provided, single submitter. Criteria: GeneDx Variant Classification (06012015). Collection method: clinical testing. Allele origin: germline. Affected: yes.
Comment: The D1561H variant in the STRC gene has not been reported previously as a pathogenic variant, nor as a benign variant, to our knowledge. The D1561H variant is observed in 29/16512 (0.17%) alleles from individuals of South Asian background including 2 homozygous individuals, in the ExAC dataset (Lek et al., 2016). The D1561H variant is a non-conservative amino acid substitution, which is likely to impact secondary protein structure as these residues differ in polarity, charge, size and/or other properties. This substitution occurs at a position that is not conserved. In silico analysis is inconsistent in its predictions as to whether or not the variant is damaging to the protein structure/function. We interpret D1561H as a variant of uncertain significance.

NM_153700.2(STRC):c.4681G>C (p.Asp1561His)

Gene: STRC (stereocilin; minus strand). Cytogenetic location: 15q15.3.
Variant type: single nucleotide variant.
Coding change: c.4681G>C on transcript NM_153700.2 (MANE Select); coding-DNA position 4681, G replaced by C.
Protein change: p.Asp1561His; replaces aspartic acid 1561 with histidine.
Molecular consequence: missense variant.
Genome position (GRCh38, 1-based): chr15:43,601,416, C>G on the plus strand (G>C on the coding strand, the complement: STRC is on the minus strand). VCF-style: chr15-43601416-C-G. GRCh37 (hg19) VCF-style: chr15-43893614-C-G.
Other names: short protein forms D1561H.
Identifiers: ClinVar variation 450926 (VCV000450926.3), dbSNP rs762262248, ClinGen allele CA7527950.